The following is an entry in ClinVar:

NM_016169.4(SUFU):c.474G>A (p.Gly158=)

Gene: SUFU (SUFU negative regulator of hedgehog signaling; plus strand). Cytogenetic location: 10q24.32.
Variant type: single nucleotide variant.
Coding change: c.474G>A on transcript NM_016169.4 (MANE Select); coding-DNA position 474, G replaced by A.
Protein change: p.Gly158=; no amino-acid change (glycine 158 retained).
Molecular consequence: synonymous variant.
Genome position (GRCh38, 1-based): chr10:102,592,601, G>A. VCF-style: chr10-102592601-G-A. GRCh37 (hg19) VCF-style: chr10-104352358-G-A.
Other names: c.474G>A, p.Gly158= (NM_001178133.2).
Identifiers: ClinVar variation 706934 (VCV000706934.16), dbSNP rs375178556, ClinGen allele CA5667700.
Genomic context (GRCh38, chr10:102,592,601, plus strand): 5'-TGGGGCCTTGAACAATGAGGATCCTTGTATCTCTCCCACAGAGAACACCTTCTGCAGTGG[G>A]GACCATGTGTCCTGGCACAGCCCTTTGGATAACAGTGAGTCAAGAATTCAGCACATGCTG-3'
Protein context (NP_057253.2, residues 148-168): VFQSENTFCS[Gly158=]DHVSWHSPLD

ClinVar aggregate classification (germline): Benign/Likely benign. Review status: criteria provided, multiple submitters, no conflicts (2 of 4 stars). 4 submissions from 4 submitters: Benign (1); Likely benign (2). 1 of the submissions does not count toward it. Last evaluated 2026-01-06.

Conditions:
SUFU-related disorder. Also called: SUFU-related condition; SUFU-related disorders.
Medulloblastoma (MDB). Also called: MEDULLOBLASTOMA PREDISPOSITION SYNDROME; Medulloblastoma, somatic. Identifiers: Orphanet 616, MedGen C0025149, MeSH D008527, MONDO:0007959, OMIM 155255, HP:0002885.
Gorlin syndrome. Also called: Nevoid Basal Cell Carcinoma Syndrome; Basal cell nevus syndrome. Identifiers: Orphanet 377, MedGen C0004779, MONDO:0007187.
Hereditary cancer-predisposing syndrome. Also called: Tumor predisposition; Hereditary neoplastic syndrome; Neoplastic Syndromes, Hereditary; Hereditary Cancer Syndrome. Identifiers: Orphanet 140162, MedGen C0027672, MeSH D009386, MONDO:0015356.

Allele frequency attached by ClinVar (database versions not stated): gnomAD exomes 0.00001; ExAC 0.00002; gnomAD 0.00003; TOPMed 0.00006; ESP Exome Variant Server 0.00008.
gnomAD v4.1: 8 of 1,614,016 alleles (0.0005%); highest among the groups gnomAD compares: African/African-American, 0.011%; no homozygotes.

Submissions (4):

Labcorp Genetics (formerly Invitae), Labcorp
Classification: Likely benign for Gorlin syndrome; Medulloblastoma. Last evaluated: 2026-01-06. Review status: criteria provided, single submitter. Criteria: Invitae Variant Classification Sherloc (09022015). Collection method: clinical testing. Allele origin: germline.

Quest Diagnostics Nichols Institute San Juan Capistrano
Classification: Benign. Last evaluated: 2023-02-06. Review status: criteria provided, single submitter. Criteria: Quest Diagnostics criteria. Collection method: clinical testing. Allele origin: unknown.

Ambry Genetics
Classification: Likely benign for Hereditary cancer-predisposing syndrome. Last evaluated: 2021-03-18. Review status: criteria provided, single submitter. Criteria: Ambry Variant Classification Scheme 2023. Collection method: clinical testing. Allele origin: germline.

PreventionGenetics, part of Exact Sciences
Classification: Likely benign for SUFU-related condition. Last evaluated: 2022-03-18. Review status: no assertion criteria provided. Collection method: clinical testing. Allele origin: germline. Not counted in ClinVar's aggregate classification.
Comment: This variant is classified as likely benign based on ACMG/AMP sequence variant interpretation guidelines (Richards et al. 2015 PMID: 25741868, with internal and published modifications).